The following is an entry in ClinVar:

NM_017514.5(PLXNA3):c.1168G>C (p.Val390Leu)

Gene: PLXNA3 (plexin A3; plus strand). Cytogenetic location: Xq28.
Variant type: single nucleotide variant.
Coding change: c.1168G>C on transcript NM_017514.5 (MANE Select); coding-DNA position 1168, G replaced by C.
Protein change: p.Val390Leu; replaces valine 390 with leucine.
Molecular consequence: missense variant.
Genome position (GRCh38, 1-based): chrX:154,462,161, G>C. VCF-style: chrX-154462161-G-C. GRCh37 (hg19) VCF-style: chrX-153690501-G-C.
Other names: short protein forms V390L.
Identifiers: ClinVar variation 4989540 (VCV004989540.1).

ClinVar aggregate classification (germline): Uncertain significance (1 of 4 stars; one submission).

Conditions:
PLXNA3-related disorder. Also called: PLXNA3-related condition.

Submission:

PreventionGenetics, part of Exact Sciences
Classification: Uncertain significance for PLXNA3-related condition. Last evaluated: 2024-11-13. Review status: criteria provided, single submitter. Criteria: ACMG Guidelines, 2015. Collection method: clinical testing. Allele origin: germline.
Comment: The PLXNA3 c.1168G>C variant is predicted to result in the amino acid substitution p.Val390Leu. To our knowledge, this variant has not been reported in the literature. This variant is reported in 0.0081% of alleles in individuals of African descent in gnomAD. At this time, the clinical significance of this variant is uncertain due to the absence of conclusive functional and genetic evidence.